The following is an entry in ClinVar:

NM_001122659.3(EDNRB):c.973G>A (p.Val325Ile)

Genes: EDNRB (endothelin receptor type B; minus strand), EDNRB-AS1 (EDNRB antisense RNA 1; plus strand). Cytogenetic location: 13q22.3.
Variant type: single nucleotide variant.
Coding change: c.973G>A on transcript NM_001122659.3 (MANE Select); coding-DNA position 973, G replaced by A.
Protein change: p.Val325Ile; replaces valine 325 with isoleucine.
Molecular consequence: missense variant.
Genome position (GRCh38, 1-based): chr13:77,900,633, C>T on the plus strand (G>A on the coding strand, the complement: EDNRB is on the minus strand). VCF-style: chr13-77900633-C-T. GRCh37 (hg19) VCF-style: chr13-78474768-C-T.
Other names: c.973G>A, p.Val325Ile (NM_000115.5, NM_003991.4); c.1243G>A, p.Val415Ile (NM_001201397.2); short protein forms V325I, V415I.
Identifiers: ClinVar variation 547295 (VCV000547295.6), dbSNP rs201437745, ClinGen allele CA7012198.

ClinVar aggregate classification (germline): Uncertain significance. Review status: criteria provided, multiple submitters, no conflicts (2 of 4 stars). 4 submissions from 4 submitters: Uncertain significance (4). Last evaluated 2024-08-19.

Conditions:
Inborn genetic diseases. Identifiers: MedGen C0950123, MeSH D030342.
Waardenburg syndrome type 4A (WS4A). Also called: WAARDENBURG SYNDROME WITH HIRSCHSPRUNG DISEASE, TYPE 4A. Identifiers: Orphanet 897, MedGen C1848519, MONDO:0010192, OMIM 277580.

Allele frequency attached by ClinVar (database versions not stated): ExAC 0.00001; gnomAD exomes 0.00001 and 0.00002; TOPMed 0.00001; gnomAD 0.00002.
gnomAD v4.1: 33 of 1,612,262 alleles (0.002%); highest among the groups gnomAD compares: South Asian, 0.0055%; 1 homozygote.

Submissions (4):

Ambry Genetics
Classification: Uncertain significance for Inborn genetic diseases. Last evaluated: 2024-08-19. Review status: criteria provided, single submitter. Criteria: Ambry Variant Classification Scheme 2023. Collection method: clinical testing. Allele origin: germline.

Labcorp Genetics (formerly Invitae), Labcorp
Classification: Uncertain significance. Last evaluated: 2023-08-17. Review status: criteria provided, single submitter. Criteria: Invitae Variant Classification Sherloc (09022015). Collection method: clinical testing. Allele origin: germline.
Comment: Advanced modeling of protein sequence and biophysical properties (such as structural, functional, and spatial information, amino acid conservation, physicochemical variation, residue mobility, and thermodynamic stability) performed at Invitae indicates that this missense variant is not expected to disrupt EDNRB protein function. This sequence change replaces valine, which is neutral and non-polar, with isoleucine, which is neutral and non-polar, at codon 325 of the EDNRB protein (p.Val325Ile). This variant is present in population databases (rs201437745, gnomAD 0.003%). This variant has not been reported in the literature in individuals affected with EDNRB-related conditions. ClinVar contains an entry for this variant (Variation ID: 547295). In summary, the available evidence is currently insufficient to determine the role of this variant in disease. Therefore, it has been classified as a Variant of Uncertain Significance.

GeneDx
Classification: Uncertain significance. Last evaluated: 2022-09-19. Review status: criteria provided, single submitter. Criteria: GeneDx Variant Classification Process June 2021. Collection method: clinical testing. Allele origin: germline. Affected: yes.
Comment: In silico analysis supports that this missense variant does not alter protein structure/function; Has not been previously published as pathogenic or benign to our knowledge

Center for Human Genetics, Inc
Classification: Uncertain significance for Waardenburg syndrome type 4A. Last evaluated: 2016-11-01. Review status: criteria provided, single submitter. Criteria: ACMG Guidelines, 2015. Collection method: clinical testing. Allele origin: germline. Affected: yes.